The following is an entry in ClinVar:

ClinVar aggregate classification (germline): Likely benign (1 of 4 stars; one submission).

Allele frequency attached by ClinVar (database versions not stated): ExAC 0.00002; TOPMed 0.00002; gnomAD 0.00004; ESP Exome Variant Server 0.00009.
gnomAD v4.1: 76 of 1,209,516 alleles (0.0063%); highest among the groups gnomAD compares: East Asian, 0.0089%; no homozygotes.

Submission:

CeGaT Center for Human Genetics Tuebingen
Classification: Likely benign. Last evaluated: 2024-01-01. Review status: criteria provided, single submitter. Criteria: CeGaT Center For Human Genetics Tuebingen Variant Classification Criteria Version 2. Collection method: clinical testing. Allele origin: germline. Affected: yes. Observed: 1 variant allele.
Comment: SLC9A7: BP4, BS2

NM_001257291.2(SLC9A7):c.2044G>A (p.Ala682Thr)

Gene: SLC9A7 (solute carrier family 9 member A7; minus strand). Cytogenetic location: Xp11.3.
Variant type: single nucleotide variant.
Coding change: c.2044G>A on transcript NM_001257291.2 (MANE Select); coding-DNA position 2044, G replaced by A.
Protein change: p.Ala682Thr; replaces alanine 682 with threonine.
Molecular consequence: missense variant.
Genome position (GRCh38, 1-based): chrX:46,607,089, C>T on the plus strand (G>A on the coding strand, the complement: SLC9A7 is on the minus strand). VCF-style: chrX-46607089-C-T. GRCh37 (hg19) VCF-style: chrX-46466524-C-T.
Other names: c.2041G>A, p.Ala681Thr (NM_032591.3); short protein forms A681T, A682T.
Identifiers: ClinVar variation 3025799 (VCV003025799.22), dbSNP rs375953952, ClinGen allele CA10393714.